The following is an entry in ClinVar:

ClinVar aggregate classification (germline): Likely benign. Review status: criteria provided, multiple submitters, no conflicts (2 of 4 stars). 3 submissions from 3 submitters: Likely benign (3). Last evaluated 2024-04-12.

Conditions:
Atrial septal defect 5 (ASD5). Identifiers: Orphanet 1478, MedGen C2748552, MONDO:0013011, OMIM 612794.
Dilated cardiomyopathy 1R (CMD1R). Identifiers: Orphanet 154, Orphanet 54260, MedGen C3150681, MONDO:0013261, OMIM 613424.
Hypertrophic cardiomyopathy 11. Also called: ACTC1-Related Familial Hypertrophic Cardiomyopathy. Identifiers: MedGen C2677506, MONDO:0012799, OMIM 612098.
Cardiomyopathy (CMYO). Also called: Cardiomyopathies. Identifiers: Orphanet 167848, MedGen C0878544, MONDO:0004994, HP:0001638. Inheritance: Various modes of inheritance.
Hypertrophic cardiomyopathy. Also called: HYPERTROPHIC MYOCARDIOPATHY. Identifiers: Orphanet 217569, MedGen C0007194, MeSH D002312, MONDO:0005045, HP:0001639.

Allele frequency attached by ClinVar (database versions not stated): gnomAD exomes below 0.00001; gnomAD 0.00001; TOPMed 0.00001.
gnomAD v4.1: 4 of 1,614,104 alleles (0.00025%); highest among the groups gnomAD compares: Non-Finnish European, 0.00034%; no homozygotes.

Submissions (3):

Labcorp Genetics (formerly Invitae), Labcorp
Classification: Likely benign for Dilated cardiomyopathy 1R; Hypertrophic cardiomyopathy 11; Atrial septal defect 5. Last evaluated: 2024-04-12. Review status: criteria provided, single submitter. Criteria: Invitae Variant Classification Sherloc (09022015). Collection method: clinical testing. Allele origin: germline.

All of Us Research Program, National Institutes of Health
Classification: Likely benign for Hypertrophic cardiomyopathy. Last evaluated: 2023-05-08. Review status: criteria provided, single submitter. Criteria: ACMG Guidelines, 2015. Collection method: clinical testing. Allele origin: germline. Inheritance: Autosomal dominant inheritance. Observed: 3 variant alleles, 3 heterozygotes.
Comment: This study involves interpretation of variants in research participants for the purpose of population health screening. Participant phenotype was not available at the time of variant classification. Additional details can be found in publication PMID: 35346344, PMCID: PMC8962531

Color Diagnostics, LLC DBA Color Health
Classification: Likely benign for Cardiomyopathy. Last evaluated: 2019-02-01. Review status: criteria provided, single submitter. Criteria: ACMG Guidelines, 2015. Collection method: clinical testing. Allele origin: germline.

NM_005159.5(ACTC1):c.609C>T (p.Val203=)

Genes: GJD2-DT (GJD2 divergent transcript; plus strand), ACTC1 (actin alpha cardiac muscle 1; minus strand). Cytogenetic location: 15q14.
Variant type: single nucleotide variant.
Coding change: c.609C>T on transcript NM_005159.5 (MANE Select); coding-DNA position 609, C replaced by T.
Protein change: p.Val203=; no amino-acid change (valine 203 retained).
Molecular consequence: synonymous variant.
Genome position (GRCh38, 1-based): chr15:34,792,415, G>A on the plus strand (C>T on the coding strand, the complement: ACTC1 is on the minus strand). VCF-style: chr15-34792415-G-A. GRCh37 (hg19) VCF-style: chr15-35084616-G-A.
Identifiers: ClinVar variation 921021 (VCV000921021.6), dbSNP rs1055408313, ClinGen allele CA268662366.